The following is an entry in ClinVar:

ClinVar aggregate classification (germline): Likely benign (1 of 4 stars; one submission).

Allele frequency attached by ClinVar (database versions not stated): gnomAD exomes below 0.00001.
gnomAD v4.1: 6 of 1,614,112 alleles (0.00037%); highest among the groups gnomAD compares: Non-Finnish European, 0.00025%; no homozygotes.

Submission:

CeGaT Center for Human Genetics Tuebingen
Classification: Likely benign. Last evaluated: 2022-03-01. Review status: criteria provided, single submitter. Criteria: CeGaT Center For Human Genetics Tuebingen Variant Classification Criteria Version 2. Collection method: clinical testing. Allele origin: germline. Affected: yes. Observed: 1 variant allele.
Comment: SYNE1: PM2:Supporting, BP4, BP7

NM_182961.4(SYNE1):c.21093A>G (p.Val7031=)

Gene: SYNE1 (spectrin repeat containing nuclear envelope protein 1; minus strand). Cytogenetic location: 6q25.2.
Variant type: single nucleotide variant.
Coding change: c.21093A>G on transcript NM_182961.4 (MANE Select); coding-DNA position 21093, A replaced by G.
Protein change: p.Val7031=; no amino-acid change (valine 7031 retained).
Molecular consequence: synonymous variant.
Genome position (GRCh38, 1-based): chr6:152,230,649, T>C on the plus strand (A>G on the coding strand, the complement: SYNE1 is on the minus strand). VCF-style: chr6-152230649-T-C. GRCh37 (hg19) VCF-style: chr6-152551784-T-C.
Other names: c.20880A>G, p.Val6960= (NM_033071.5).
Identifiers: ClinVar variation 2657007 (VCV002657007.24), dbSNP rs2551617423, ClinGen allele CA452750467.